The following is an entry in ClinVar:

NM_000465.4(BARD1):c.1322T>C (p.Ile441Thr)

Gene: BARD1 (BRCA1 associated RING domain 1; minus strand). Cytogenetic location: 2q35.
Variant type: single nucleotide variant.
Coding change: c.1322T>C on transcript NM_000465.4 (MANE Select); coding-DNA position 1322, T replaced by C.
Protein change: p.Ile441Thr; replaces isoleucine 441 with threonine.
Molecular consequence: missense variant. On other transcripts: non-coding transcript variant (3), intron variant (3).
Genome position (GRCh38, 1-based): chr2:214,769,305, A>G on the plus strand (T>C on the coding strand, the complement: BARD1 is on the minus strand). VCF-style: chr2-214769305-A-G. GRCh37 (hg19) VCF-style: chr2-215634029-A-G.
Other names: c.1265T>C, p.Ile422Thr (NM_001282543.2); c.159-16750T>C (NM_001282548.2); c.216-16750T>C (NM_001282545.2); c.364+22992T>C (NM_001282549.2); short protein forms I441T, I422T.
Identifiers: ClinVar variation 232815 (VCV000232815.16), dbSNP rs876660006, ClinGen allele CA10577809.
Genomic context (GRCh38, chr2:214,769,305, plus strand): 5'-CCAGCATGGTCTTTAACATTTGGATCACTTCCATTTTGTAAAAGGTATTCAACAGAAGGT[A>G]TGTCGCCCTAGAAAAATGAACAAAACGGAAATTAAAAAGCATTAAGGAAAGAAAGGAAAA-3'
Protein context (NP_000456.2, residues 431-451): LLHIASIKGD[Ile441Thr]PSVEYLLQNG

ClinVar aggregate classification (germline): Uncertain significance. Review status: criteria provided, multiple submitters, no conflicts (2 of 4 stars). 3 submissions from 3 submitters: Uncertain significance (3). Last evaluated 2026-01-01.

Conditions:
Hereditary cancer-predisposing syndrome. Also called: Neoplastic Syndromes, Hereditary; Tumor predisposition; Hereditary Cancer Syndrome; Hereditary neoplastic syndrome. Identifiers: Orphanet 140162, MedGen C0027672, MeSH D009386, MONDO:0015356.
Familial cancer of breast. Also called: BREAST CANCER, FAMILIAL; hereditary breast carcinoma; Hereditary breast cancer. Identifiers: Orphanet 227535, MedGen C0346153, MONDO:0016419, OMIM 114480. Disease mechanism: loss of function.

Allele frequency attached by ClinVar (database versions not stated): gnomAD exomes below 0.00001; gnomAD 0.00001; TOPMed 0.00001.
gnomAD v4.1: 5 of 1,612,598 alleles (0.00031%); highest among the groups gnomAD compares: South Asian, 0.0033%; no homozygotes.

Submissions (3):

Labcorp Genetics (formerly Invitae), Labcorp
Classification: Uncertain significance for Familial cancer of breast. Last evaluated: 2026-01-01. Review status: criteria provided, single submitter. Criteria: Invitae Variant Classification Sherloc (09022015). Collection method: clinical testing. Allele origin: germline.
Comment: This sequence change replaces isoleucine, which is neutral and non-polar, with threonine, which is neutral and polar, at codon 441 of the BARD1 protein (p.Ile441Thr). This variant is present in population databases (no rsID available, gnomAD 0.003%). This variant has not been reported in the literature in individuals affected with BARD1-related conditions. ClinVar contains an entry for this variant (Variation ID: 232815). An algorithm developed to predict the effect of missense changes on protein structure and function (PolyPhen-2) suggests that this variant is likely to be tolerated. In summary, the available evidence is currently insufficient to determine the role of this variant in disease. Therefore, it has been classified as a Variant of Uncertain Significance.

GeneDx
Classification: Uncertain significance. Last evaluated: 2023-11-29. Review status: criteria provided, single submitter. Criteria: GeneDx Variant Classification Process June 2021. Collection method: clinical testing. Allele origin: germline. Affected: yes.
Comment: Not observed at significant frequency in large population cohorts (gnomAD); In silico analysis supports that this missense variant does not alter protein structure/function; Has not been previously published as pathogenic or benign to our knowledge; This variant is associated with the following publications: (PMID: 18480049)

Ambry Genetics
Classification: Uncertain significance for Hereditary cancer-predisposing syndrome. Last evaluated: 2023-09-15. Review status: criteria provided, single submitter. Criteria: Ambry Variant Classification Scheme 2023. Collection method: clinical testing. Allele origin: germline.
Comment: The p.I441T variant (also known as c.1322T>C), located in coding exon 5 of the BARD1 gene, results from a T to C substitution at nucleotide position 1322. The isoleucine at codon 441 is replaced by threonine, an amino acid with similar properties. This amino acid position is poorly conserved in available vertebrate species. In addition, this alteration is predicted to be tolerated by in silico analysis. Since supporting evidence is limited at this time, the clinical significance of this alteration remains unclear.